The following is an entry in ClinVar:

ClinVar aggregate classification (germline): Uncertain significance (1 of 4 stars; one submission).

Conditions:
Inborn genetic diseases. Identifiers: MedGen C0950123, MeSH D030342.

gnomAD v4.1: 1 of 1,435,390 alleles (0.00007%); highest among the groups gnomAD compares: Non-Finnish European, 0.000091%; no homozygotes.

Submission:

Ambry Genetics
Classification: Uncertain significance for Inborn genetic diseases. Last evaluated: 2026-09-08. Review status: criteria provided, single submitter. Criteria: Ambry Variant Classification Scheme 2023. Collection method: clinical testing. Allele origin: germline.
Comment: The p.P78S variant (also known as c.232C>T), located in coding exon 1 of the KDM1A gene, results from a C to T substitution at nucleotide position 232. The proline at codon 78 is replaced by serine, an amino acid with similar properties. This amino acid position is conserved. In addition, this alteration is predicted to be tolerated by in silico analysis. Based on the available evidence, the clinical significance of this variant remains unclear.

NM_001009999.3(KDM1A):c.232C>T (p.Pro78Ser)

Gene: KDM1A (lysine demethylase 1A; plus strand). Cytogenetic location: 1p36.12.
Variant type: single nucleotide variant.
Coding change: c.232C>T on transcript NM_001009999.3 (MANE Select); coding-DNA position 232, C replaced by T.
Protein change: p.Pro78Ser; replaces proline 78 with serine.
Molecular consequence: missense variant.
Genome position (GRCh38, 1-based): chr1:23,019,828, C>T. VCF-style: chr1-23019828-C-T. GRCh37 (hg19) VCF-style: chr1-23346321-C-T.
Other names: c.232C>T, p.Pro78Ser (NM_001363654.2, NM_001410762.1, NM_001410763.1 and 1 more transcripts); short protein forms P78S.
Identifiers: ClinVar variation 5023108 (VCV005023108.1).